The following is an entry in ClinVar:

NC_000005.9:g.(?_79970792)_(79974922_?)dup

Gene: MSH3 (mutS homolog 3; plus strand). Cytogenetic location: 5q14.1.
Variant type: Duplication.
Identifiers: ClinVar variation 3246498 (VCV003246498.1).

ClinVar aggregate classification (germline): Likely pathogenic (1 of 4 stars; one submission).

Submission:

Labcorp Genetics (formerly Invitae), Labcorp
Classification: Likely pathogenic. Last evaluated: 2022-11-26. Review status: criteria provided, single submitter. Criteria: Invitae Variant Classification Sherloc (09022015). Collection method: clinical testing. Allele origin: unknown.
Comment: In summary, the currently available evidence indicates that the variant is pathogenic, but additional data are needed to prove that conclusively. Therefore, this variant has been classified as Likely Pathogenic. This variant has not been reported in the literature in individuals affected with MSH3-related conditions. This variant results in a copy number gain of the genomic region encompassing exon(s) 7-8 of the MSH3 gene. While the exact position of this variant cannot be determined from the data, sub-genic copy number gains are generally in tandem (PMID: 25640679). This variant is predicted to be out-of-frame, and may result in an absent or disrupted protein product. Loss-of-function variants in MSH3 are known to be pathogenic (PMID: 27476653).

Literature cited by the submitters: PubMed 25640679; PubMed 27476653.